The following is an entry in ClinVar:

NM_004304.5(ALK):c.1193A>G (p.Asn398Ser)

Gene: ALK (ALK receptor tyrosine kinase; minus strand). Cytogenetic location: 2p23.2.
Variant type: single nucleotide variant.
Coding change: c.1193A>G on transcript NM_004304.5 (MANE Select); coding-DNA position 1193, A replaced by G.
Protein change: p.Asn398Ser; replaces asparagine 398 with serine.
Molecular consequence: missense variant.
Genome position (GRCh38, 1-based): chr2:29,383,821, T>C on the plus strand (A>G on the coding strand, the complement: ALK is on the minus strand). VCF-style: chr2-29383821-T-C. GRCh37 (hg19) VCF-style: chr2-29606687-T-C.
Other names: short protein forms N398S.
Identifiers: ClinVar variation 470743 (VCV000470743.13), dbSNP rs754512910, ClinGen allele CA1594723.

ClinVar aggregate classification (germline): Uncertain significance. Review status: criteria provided, multiple submitters, no conflicts (2 of 4 stars). 4 submissions from 4 submitters: Uncertain significance (4). Last evaluated 2025-09-22.

Conditions:
Neuroblastoma, susceptibility to, 3. Also called: ALK-Related Neuroblastic Tumor Susceptibility. Identifiers: Orphanet 635, MedGen C2751681, MONDO:0013083, OMIM 613014.
Hereditary cancer-predisposing syndrome. Also called: Hereditary neoplastic syndrome; Neoplastic Syndromes, Hereditary; Tumor predisposition; Hereditary Cancer Syndrome. Identifiers: Orphanet 140162, MedGen C0027672, MeSH D009386, MONDO:0015356.
Familial isolated pituitary adenoma. Identifiers: Orphanet 314777, MedGen C2676191, MONDO:0017824.

Allele frequency attached by ClinVar (database versions not stated): ExAC 0.00001; gnomAD 0.00001; gnomAD exomes 0.00001 and 0.00002; TOPMed 0.00003.
gnomAD v4.1: 5 of 1,613,966 alleles (0.00031%); highest among the groups gnomAD compares: Admixed American, 0.0067%; no homozygotes.

Submissions (4):

Ambry Genetics
Classification: Uncertain significance for Hereditary cancer-predisposing syndrome. Last evaluated: 2025-09-22. Review status: criteria provided, single submitter. Criteria: Ambry Variant Classification Scheme 2023. Collection method: clinical testing. Allele origin: germline.
Comment: The p.N398S variant (also known as c.1193A>G), located in coding exon 5 of the ALK gene, results from an A to G substitution at nucleotide position 1193. The asparagine at codon 398 is replaced by serine, an amino acid with highly similar properties. This amino acid position is conserved. In addition, this alteration is predicted to be tolerated by in silico analysis. Based on the available evidence, the clinical significance of this variant remains unclear.

Labcorp Genetics (formerly Invitae), Labcorp
Classification: Uncertain significance for Neuroblastoma, susceptibility to, 3. Last evaluated: 2025-09-21. Review status: criteria provided, single submitter. Criteria: Invitae Variant Classification Sherloc (09022015). Collection method: clinical testing. Allele origin: germline.
Comment: This sequence change replaces asparagine, which is neutral and polar, with serine, which is neutral and polar, at codon 398 of the ALK protein (p.Asn398Ser). This variant is present in population databases (rs754512910, gnomAD 0.01%). This variant has not been reported in the literature in individuals affected with ALK-related conditions. ClinVar contains an entry for this variant (Variation ID: 470743). An algorithm developed to predict the effect of missense changes on protein structure and function outputs the following: PolyPhen-2: "Benign". The serine amino acid residue is found in multiple mammalian species, which suggests that this missense change does not adversely affect protein function. In summary, the available evidence is currently insufficient to determine the role of this variant in disease. Therefore, it has been classified as a Variant of Uncertain Significance.

Baylor Genetics
Classification: Uncertain significance for Neuroblastoma, susceptibility to, 3. Last evaluated: 2023-09-23. Review status: criteria provided, single submitter. Criteria: ACMG Guidelines, 2015. Collection method: clinical testing. Allele origin: unknown.

St. Jude Molecular Pathology, St. Jude Children's Research Hospital
Classification: Uncertain significance for Familial isolated pituitary adenoma. Last evaluated: 2021-09-22. Review status: criteria provided, single submitter. Criteria: St. Jude Assertion Criteria 2020. Collection method: clinical testing. Allele origin: germline.
Comment: The ALK c.1193A>G (p.Asn398Ser) missense change has a maximum subpopulation frequency of 0.012% in gnomAD v2.1.1. Six of six in silico tools predict a benign effect of this variant on protein function (BP4), but to our knowledge these predictions have not been confirmed by functional assays. To our knowledge, this variant has not been reported in the literature in individuals with ALK-related neuroblastic tumor susceptibility. In summary, this variant meets criteria to be classified as of uncertain significance based on the ACMG/AMP criteria: BP4.